The following is an entry in ClinVar:

NM_003001.5(SDHC):c.119G>A (p.Arg40Gln)

Gene: SDHC (succinate dehydrogenase complex subunit C; plus strand). Cytogenetic location: 1q23.3.
Variant type: single nucleotide variant.
Coding change: c.119G>A on transcript NM_003001.5 (MANE Select); coding-DNA position 119, G replaced by A.
Protein change: p.Arg40Gln; replaces arginine 40 with glutamine.
Molecular consequence: missense variant. On other transcripts: non-coding transcript variant (1), intron variant (4).
Genome position (GRCh38, 1-based): chr1:161,328,437, G>A. VCF-style: chr1-161328437-G-A. GRCh37 (hg19) VCF-style: chr1-161298227-G-A.
Other names: c.119G>A, p.Arg40Gln (NM_001035511.3, NM_001407115.1); c.62G>A, p.Arg21Gln (NM_001407116.1, NM_001407117.1, NM_001407121.1); c.8G>A, p.Arg3Gln (NM_001407119.1, NM_001407120.1); c.77+4767G>A (NM_001035512.3, NM_001278172.3, NM_001407118.1); c.21-12157G>A (NM_001035513.3); short protein forms R40Q, R3Q, R21Q.
Identifiers: ClinVar variation 239446 (VCV000239446.33), dbSNP rs772450693, ClinGen allele CA045699.

ClinVar aggregate classification (germline): Conflicting classifications of pathogenicity. Review status: criteria provided, conflicting classifications (1 of 4 stars). 10 submissions from 10 submitters: Uncertain significance (7); Likely benign (2). 1 of the submissions does not count toward it. Last evaluated 2026-02-17.

Conditions:
SDHC-related disorder. Also called: SDHC-related condition.
Pheochromocytoma/paraganglioma syndrome 3. Also called: SDHC-Related Hereditary Paraganglioma-Pheochromocytoma Syndrome; GLOMUS TUMORS, FAMILIAL, 3; SDHC-Related Hereditary Paraganglioma-Pheochromocytoma Syndrome (Paragangliomas 3); Paragangliomas 3. Identifiers: Orphanet 29072, MedGen C1854336, MONDO:0011544, OMIM 605373.
Gastrointestinal stromal tumor. Also called: Gastrointestinal stromal tumor, somatic; Gastrointestinal stroma tumor. Identifiers: Orphanet 44890, MedGen C0238198, MeSH D046152, MONDO:0011719, OMIM 606764, HP:0100723.
Hereditary cancer-predisposing syndrome. Also called: Neoplastic Syndromes, Hereditary; Hereditary neoplastic syndrome; Hereditary Cancer Syndrome; Tumor predisposition. Identifiers: Orphanet 140162, MedGen C0027672, MeSH D009386, MONDO:0015356.
Hereditary pheochromocytoma and paraganglioma. Also called: Hereditary Paraganglioma-Pheochromocytoma Syndromes; Hereditary pheochromocytoma-paraganglioma; Hereditary paragangliomas and pheochromocytomas. Identifiers: Orphanet 29072, MedGen C4274332, MONDO:0017366.

Allele frequency attached by ClinVar (database versions not stated): gnomAD 0.00004 and 0.00005; ExAC 0.00006; TOPMed 0.00009.
gnomAD v4.1: 126 of 1,613,740 alleles (0.0078%); highest among the groups gnomAD compares: Middle Eastern, 0.017%; no homozygotes.

Submissions (10):

PreventionGenetics, part of Exact Sciences
Classification: Likely benign for SDHC-related condition. Last evaluated: 2026-02-17. Review status: criteria provided, single submitter. Criteria: ACMG Guidelines, 2015. Collection method: clinical testing. Allele origin: germline.
Comment: This variant is classified as likely benign based on ACMG/AMP sequence variant interpretation guidelines (Richards et al. 2015 PMID: 25741868, with internal and published modifications).

Labcorp Genetics (formerly Invitae), Labcorp
Classification: Uncertain significance for Pheochromocytoma/paraganglioma syndrome 3; Gastrointestinal stromal tumor. Last evaluated: 2026-01-18. Review status: criteria provided, single submitter. Criteria: Invitae Variant Classification Sherloc (09022015). Collection method: clinical testing. Allele origin: germline.
Comment: This sequence change replaces arginine, which is basic and polar, with glutamine, which is neutral and polar, at codon 40 of the SDHC protein (p.Arg40Gln). This variant is present in population databases (rs772450693, gnomAD 0.02%). This missense change has been observed in individual(s) with renal cell adenocarcinoma (internal data). ClinVar contains an entry for this variant (Variation ID: 239446). An algorithm developed to predict the effect of missense changes on protein structure and function outputs the following: PolyPhen-2: "Benign". The glutamine amino acid residue is found in multiple mammalian species, which suggests that this missense change does not adversely affect protein function. In summary, the available evidence is currently insufficient to determine the role of this variant in disease. Therefore, it has been classified as a Variant of Uncertain Significance.

Ambry Genetics
Classification: Uncertain significance for Hereditary cancer-predisposing syndrome. Last evaluated: 2025-06-20. Review status: criteria provided, single submitter. Criteria: Ambry Variant Classification Scheme 2023. Collection method: clinical testing. Allele origin: germline.
Comment: The p.R40Q variant (also known as c.119G>A), located in coding exon 3 of the SDHC gene, results from a G to A substitution at nucleotide position 119. The arginine at codon 40 is replaced by glutamine, an amino acid with highly similar properties. This amino acid position is not well conserved in available vertebrate species. In addition, this alteration is predicted to be tolerated by in silico analysis. Based on the available evidence, the clinical significance of this variant remains unclear.

Quest Diagnostics Nichols Institute San Juan Capistrano
Classification: Uncertain significance. Last evaluated: 2025-04-28. Review status: criteria provided, single submitter. Criteria: Quest Diagnostics criteria. Collection method: clinical testing. Allele origin: unknown.
Comment: The SDHC c.119G>A (p.Arg40Gln) variant has not been reported in individuals with SDHC-related conditions in the published literature. The frequency of this variant in the general population (Genome Aggregation Database) is higher than would generally be expected for pathogenic variants in this gene. Analysis of this variant using bioinformatics tools for the prediction of the effect of amino acid changes on protein structure and function yielded predictions that this variant is benign. Based on the available information, we are unable to determine the clinical significance of this variant.

GeneDx
Classification: Uncertain significance. Last evaluated: 2024-12-13. Review status: criteria provided, single submitter. Criteria: GeneDx Variant Classification Process June 2021. Collection method: clinical testing. Allele origin: germline. Affected: yes.
Comment: In silico analysis indicates that this missense variant does not alter protein structure/function; Has not been previously published as pathogenic or benign to our knowledge; This variant is associated with the following publications: (PMID: 23175444)

Baylor Genetics
Classification: Uncertain significance for Gastrointestinal stromal tumor. Last evaluated: 2024-03-29. Review status: criteria provided, single submitter. Criteria: ACMG Guidelines, 2015. Collection method: clinical testing. Allele origin: unknown.

Color Diagnostics, LLC DBA Color Health
Classification: Likely benign for Hereditary pheochromocytoma and paraganglioma. Last evaluated: 2023-11-20. Review status: criteria provided, single submitter. Criteria: ACMG Guidelines, 2015. Collection method: clinical testing. Allele origin: germline.

Myriad Genetics, Inc.
Classification: Uncertain significance for Pheochromocytoma/paraganglioma syndrome 3. Last evaluated: 2023-04-24. Review status: criteria provided, single submitter. Criteria: Myriad Autosomal Dominant, Autosomal Recessive and X-Linked Classification Criteria (2023). Collection method: clinical testing. Allele origin: unknown.
Comment: This variant is classified as a variant of uncertain significance as there is insufficient evidence to determine its impact on protein function and/or cancer risk.

Sema4
Classification: Uncertain significance for Hereditary cancer-predisposing syndrome. Last evaluated: 2022-01-12. Review status: criteria provided, single submitter. Criteria: Sema4 Curation Guidelines. Collection method: curation. Allele origin: germline.
Comment: The SDHC c.119G>A (p.R40Q) variant has not been reported in the literature to our knowledge. It was observed in 5/30616 chromosomes of the South Asian subpopulation, with no homozygotes, in the large and broad cohorts of the Genome Aggregation Database (PMID: 32461654). This variant has been reported in ClinVar (Variation ID 239446). Functional studies have not been performed, and in silico predictions of the variant's effect on protein function are inconclusive. The evidence is insufficient to meet ACMG/AMP criteria for classifying the variant as benign or pathogenic. Thus, the clinical significance of this variant is currently uncertain.

Counsyl
Classification: Uncertain significance for Pheochromocytoma/paraganglioma syndrome 3. Last evaluated: 2018-04-06. Review status: no assertion criteria provided. Collection method: clinical testing. Allele origin: unknown. Not counted in ClinVar's aggregate classification.

Literature cited by the submitters: PubMed 23175444 (cited by Ambry Genetics).